The following is an entry in ClinVar:

NM_005327.7(HADH):c.419+25_419+26insC

Gene: HADH (hydroxyacyl-CoA dehydrogenase; plus strand). Cytogenetic location: 4q25.
Variant type: Insertion.
Coding change: c.419+25_419+26insC on transcript NM_005327.7 (MANE Select); bases 25 to 26 of the intron after coding-DNA position 419, C inserted.
Molecular consequence: intron variant.
Genome position: GRCh38 VCF-style: chr4-108014613-T-TC. GRCh37 (hg19) VCF-style: chr4-108935769-T-TC.
Other names: p.?; c.419+25_419+26insC (NM_001184705.4); c.431+25_431+26insC (NM_001331027.2).
Identifiers: ClinVar variation 4684797 (VCV004684797.1).

ClinVar aggregate classification (germline): Benign (1 of 4 stars; one submission).

Submission:

Mayo Clinic Laboratories, Mayo Clinic
Classification: Benign. Last evaluated: 2025-02-10. Review status: criteria provided, single submitter. Criteria: ACMG Guidelines, 2015. Collection method: clinical testing. Allele origin: germline. Observed: 2 variant alleles.
Comment: BA1, BP4, BP7